The following is an entry in ClinVar:

NM_000238.4(KCNH2):c.2398+58C>A

Gene: KCNH2 (potassium voltage-gated channel subfamily H member 2; minus strand). Cytogenetic location: 7q36.1.
Variant type: single nucleotide variant.
Coding change: c.2398+58C>A on transcript NM_000238.4 (MANE Select); 58 bases into the intron after coding-DNA position 2398, C replaced by A.
Molecular consequence: intron variant. On other transcripts: missense variant (5).
Genome position (GRCh38, 1-based): chr7:150,950,110, G>T on the plus strand (C>A on the coding strand, the complement: KCNH2 is on the minus strand). VCF-style: chr7-150950110-G-T. GRCh37 (hg19) VCF-style: chr7-150647198-G-T.
Other names: p.A819E:GCG>GAG; c.1436C>A, p.Ala479Glu (NM_001204798.2); c.2279C>A, p.Ala760Glu (NM_001406755.1); c.2168C>A, p.Ala723Glu (NM_001406756.1); c.2156C>A, p.Ala719Glu (NM_001406757.1); c.2456C>A, p.Ala819Glu (NM_172056.3); c.1378+58C>A (NM_172057.3); short protein forms A819E, A479E, A760E, A719E, A723E.
Identifiers: ClinVar variation 200233 (VCV000200233.3), dbSNP rs774109163, ClinGen allele CA006659.
Genomic context (GRCh38, chr7:150,950,110, plus strand): 5'-CAGTGACCCTGCAGGCAGTCCCAGGTCCACAGCCCCAGTGACTGCATATTCAGAAGGCTC[G>T]CACCTCTTGAGGCTGCAGAGGGCATTTCCAGTCCAGTGCCCGCCCCCCACCCCATACCCA-3'

ClinVar aggregate classification (germline): Uncertain significance (1 of 4 stars; one submission).

Submission:

GeneDx
Classification: Uncertain significance. Last evaluated: 2013-08-05. Review status: criteria provided, single submitter. Criteria: GeneDx Variant Classification (06012015). Collection method: clinical testing. Allele origin: germline. Affected: yes.
Comment: The Ala819Glu variant in the KCNH2 gene has not been reported as a disease-causing mutation or as a benign polymorphism to our knowledge. Ala819Glu results in a non-conservative amino acid substitution of non-polar Alanine residue with a negatively charged Glutamic acid residue at a position that is not conserved across species. In silico analysis predicts Ala819Glu is benign to the protein structure/function. However, this missense change occurs at a residue that is specific only to an alternative transcript (variant 2) of the KCNH2 gene, where no disease-causing mutations have been reported to date. In addition, as the expression pattern of variant 2 of KCNH2 is unknown, it is not possible at this time to predict if the presence of this variant is clinically significant. The variant is found in LQT panel(s).